The following is an entry in ClinVar:

ClinVar aggregate classification (germline): Uncertain significance (1 of 4 stars; one submission).

Conditions:
Blau syndrome (BLAUS). Also called: ARTHROCUTANEOUVEAL GRANULOMATOSIS; GRANULOMATOSIS, FAMILIAL JUVENILE SYSTEMIC; GRANULOMATOSIS, FAMILIAL, BLAU TYPE; GRANULOMATOUS INFLAMMATORY ARTHRITIS, DERMATITIS, AND UVEITIS, FAMILIAL; JABS SYNDROME. Identifiers: Orphanet 90340, MedGen C5201146, MONDO:0008523, OMIM 186580.
Regional enteritis. Also called: Enteritis, Granulomatous. Identifiers: MedGen C0678202, MeSH D003424.

Submission:

Labcorp Genetics (formerly Invitae), Labcorp
Classification: Uncertain significance for Regional enteritis; Blau syndrome. Last evaluated: 2021-12-27. Review status: criteria provided, single submitter. Criteria: Invitae Variant Classification Sherloc (09022015). Collection method: clinical testing. Allele origin: germline.
Comment: In summary, the available evidence is currently insufficient to determine the role of this variant in disease. Therefore, it has been classified as a Variant of Uncertain Significance. Advanced modeling of protein sequence and biophysical properties (such as structural, functional, and spatial information, amino acid conservation, physicochemical variation, residue mobility, and thermodynamic stability) performed at Invitae indicates that this missense variant is not expected to disrupt NOD2 protein function. This variant has not been reported in the literature in individuals affected with NOD2-related conditions. This variant is not present in population databases (gnomAD no frequency). This sequence change replaces proline, which is neutral and non-polar, with glutamine, which is neutral and polar, at codon 209 of the NOD2 protein (p.Pro209Gln).

NM_001370466.1(NOD2):c.545C>A (p.Pro182Gln)

Gene: NOD2 (nucleotide binding oligomerization domain containing 2; plus strand). Cytogenetic location: 16q12.1.
Variant type: single nucleotide variant.
Coding change: c.545C>A on transcript NM_001370466.1 (MANE Select); coding-DNA position 545, C replaced by A.
Protein change: p.Pro182Gln; replaces proline 182 with glutamine.
Molecular consequence: missense variant. On other transcripts: non-coding transcript variant (1).
Genome position (GRCh38, 1-based): chr16:50,707,940, C>A. VCF-style: chr16-50707940-C-A. GRCh37 (hg19) VCF-style: chr16-50741851-C-A.
Other names: c.545C>A, p.Pro182Gln (NM_001293557.2); c.626C>A, p.Pro209Gln (NM_022162.3); short protein forms P209Q, P182Q.
Identifiers: ClinVar variation 1952857 (VCV001952857.5), dbSNP rs753744335, ClinGen allele CA395867212.